The following is an entry in ClinVar:

ClinVar aggregate classification (germline): Likely pathogenic. Review status: criteria provided, single submitter (1 of 4 stars). 2 submissions from 2 submitters: Likely pathogenic (1). 1 of the submissions does not count toward it. Last evaluated 2025-06-10.

Conditions:
Tooth agenesis, selective, 10 (STHAG10). Identifiers: MedGen C5774277, MONDO:0859339, OMIM 620173.

Submissions (2):

GeneDx
Classification: Likely pathogenic. Last evaluated: 2025-06-10. Review status: criteria provided, single submitter. Criteria: GeneDx Variant Classification Process June 2021. Collection method: clinical testing. Allele origin: germline. Affected: yes.
Comment: Frameshift variant predicted to result in protein truncation or nonsense mediated decay in a gene for which loss of function is a known mechanism of disease; This variant is associated with the following publications: (PMID: 35741818, 34042254)

OMIM
Classification: Pathogenic for TOOTH AGENESIS, SELECTIVE, 10. Last evaluated: 2022-12-20. Review status: no assertion criteria provided. Collection method: literature only. Allele origin: germline. Not counted in ClinVar's aggregate classification.

Literature cited by the submitters: PubMed 34042254 (cited by OMIM).

NM_144991.3(TSPEAR):c.1505del (p.Lys502fs)

Gene: TSPEAR (thrombospondin type laminin G domain and EAR repeats; minus strand). Cytogenetic location: 21q22.3.
Variant type: Deletion.
Coding change: c.1505del on transcript NM_144991.3 (MANE Select); coding-DNA position 1505, one base deleted (A; older notation c.1505delA).
Protein change: p.Lys502fs; shifts the reading frame from lysine 502.
Molecular consequence: frameshift variant.
Genome position (GRCh38, 1-based): chr21:44,521,944, T deleted on the plus strand (A on the coding strand, the reverse complement: TSPEAR is on the minus strand); the first of 2 consecutive T bases (chr21:44,521,944-44,521,945); deleting either gives the same sequence. VCF-style (leftmost placement, unchanged base first): chr21-44521943-CT-C. GRCh37 (hg19) VCF-style: chr21-45941826-CT-C.
Other names: c.1301del, p.Lys434fs (NM_001272037.2); c.1505del (NM_144991.2); c.1505delA (NM_144991.2); short protein forms K434fs, K502fs.
Identifiers: ClinVar variation 1806394 (VCV001806394.2), dbSNP rs587690535, ClinGen allele CA10056554.